The following is an entry in ClinVar:

ClinVar aggregate classification (germline): Uncertain significance (1 of 4 stars; one submission).

Submission:

GeneDx
Classification: Uncertain significance. Last evaluated: 2022-09-27. Review status: criteria provided, single submitter. Criteria: GeneDx Variant Classification Process June 2021. Collection method: clinical testing. Allele origin: germline. Affected: yes.
Comment: Not observed at significant frequency in large population cohorts (gnomAD); In silico analysis supports that this missense variant has a deleterious effect on protein structure/function; Has not been previously published as pathogenic or benign to our knowledge

NM_003590.5(CUL3):c.475G>A (p.Asp159Asn)

Gene: CUL3 (cullin 3; minus strand). Cytogenetic location: 2q36.2.
Variant type: single nucleotide variant.
Coding change: c.475G>A on transcript NM_003590.5 (MANE Select); coding-DNA position 475, G replaced by A.
Protein change: p.Asp159Asn; replaces aspartic acid 159 with asparagine.
Molecular consequence: missense variant.
Genome position (GRCh38, 1-based): chr2:224,514,676, C>T on the plus strand (G>A on the coding strand, the complement: CUL3 is on the minus strand). VCF-style: chr2-224514676-C-T. GRCh37 (hg19) VCF-style: chr2-225379393-C-T.
Other names: c.277G>A, p.Asp93Asn (NM_001257197.2); c.493G>A, p.Asp165Asn (NM_001257198.2); short protein forms D159N, D165N, D93N.
Identifiers: ClinVar variation 2446358 (VCV002446358.1), dbSNP rs2470003934, ClinGen allele CA350831738.